The following is an entry in ClinVar:

ClinVar aggregate classification (germline): Uncertain significance. Review status: criteria provided, multiple submitters, no conflicts (2 of 4 stars). 2 submissions from 2 submitters: Uncertain significance (2). Last evaluated 2025-03-23.

Conditions:
Brugada syndrome. Also called: Sudden unexpected nocturnal death syndrome; Sudden unexplained nocturnal death syndrome; Sudden Unexplained Death Syndrome; Sudden Unexplained Nocturnal Death Syndrome (SUNDS). Identifiers: Orphanet 130, MedGen C1142166, MONDO:0015263.
Cardiovascular phenotype. Identifiers: MedGen CN230736.

Allele frequency attached by ClinVar (database versions not stated): gnomAD 0.00002; 1000 Genomes Project 0.00020; 1000 Genomes Project 30x 0.00031.
gnomAD v4.1: 12 of 1,604,398 alleles (0.00075%); highest among the groups gnomAD compares: Admixed American, 0.013%; no homozygotes.

Submissions (2):

Ambry Genetics
Classification: Uncertain significance for Cardiovascular phenotype. Last evaluated: 2025-03-23. Review status: criteria provided, single submitter. Criteria: Ambry Variant Classification Scheme 2023. Collection method: clinical testing. Allele origin: germline.
Comment: The p.L884V variant (also known as c.2650C>G), located in coding exon 16 of the SCN10A gene, results from a C to G substitution at nucleotide position 2650. The leucine at codon 884 is replaced by valine, an amino acid with highly similar properties. This amino acid position is highly conserved in available vertebrate species. In addition, this alteration is predicted to be deleterious by in silico analysis. Since supporting evidence is limited at this time, the clinical significance of this alteration remains unclear.

Labcorp Genetics (formerly Invitae), Labcorp
Classification: Uncertain significance for Brugada syndrome. Last evaluated: 2024-08-15. Review status: criteria provided, single submitter. Criteria: Invitae Variant Classification Sherloc (09022015). Collection method: clinical testing. Allele origin: germline.
Comment: This sequence change replaces leucine, which is neutral and non-polar, with valine, which is neutral and non-polar, at codon 884 of the SCN10A protein (p.Leu884Val). This variant is present in population databases (rs191056911, gnomAD 0.006%). This variant has not been reported in the literature in individuals affected with SCN10A-related conditions. ClinVar contains an entry for this variant (Variation ID: 1794329). Invitae Evidence Modeling of protein sequence and biophysical properties (such as structural, functional, and spatial information, amino acid conservation, physicochemical variation, residue mobility, and thermodynamic stability) indicates that this missense variant is expected to disrupt SCN10A protein function with a positive predictive value of 80%. In summary, the available evidence is currently insufficient to determine the role of this variant in disease. Therefore, it has been classified as a Variant of Uncertain Significance.

NM_006514.4(SCN10A):c.2650C>G (p.Leu884Val)

Gene: SCN10A (sodium voltage-gated channel alpha subunit 10; minus strand). Cytogenetic location: 3p22.2.
Variant type: single nucleotide variant.
Coding change: c.2650C>G on transcript NM_006514.4 (MANE Select); coding-DNA position 2650, C replaced by G.
Protein change: p.Leu884Val; replaces leucine 884 with valine.
Molecular consequence: missense variant.
Genome position (GRCh38, 1-based): chr3:38,727,043, G>C on the plus strand (C>G on the coding strand, the complement: SCN10A is on the minus strand). VCF-style: chr3-38727043-G-C. GRCh37 (hg19) VCF-style: chr3-38768534-G-C.
Other names: c.2650C>G, p.Leu884Val (NM_001293306.2); c.2356C>G, p.Leu786Val (NM_001293307.2); short protein forms L884V, L786V.
Identifiers: ClinVar variation 1794329 (VCV001794329.5), dbSNP rs191056911, ClinGen allele CA2320465.